The following is an entry in ClinVar:

ClinVar aggregate classification (germline): Likely benign. Review status: criteria provided, multiple submitters, no conflicts (2 of 4 stars). 4 submissions from 4 submitters: Likely benign (3). 1 of the submissions does not count toward it. Last evaluated 2025-12-29.

Conditions:
Autosomal dominant spastic paraplegia type 9. Identifiers: MedGen C1832669, MONDO:0015091.
Cutis laxa, autosomal dominant 3 (ADCL3). Identifiers: Orphanet 90348, MedGen C4225268, MONDO:0014706, OMIM 616603.
de Barsy syndrome. Also called: Cutis laxa-corneal clouding-oligophrenia syndrome. Identifiers: Orphanet 2962, MedGen C0268354, MONDO:0017569.
ALDH18A1-related disorder. Also called: ALDH18A1-related disorders.

Allele frequency attached by ClinVar (database versions not stated): gnomAD 0.00003 and 0.00005; ExAC 0.00005; gnomAD exomes 0.00005; ESP Exome Variant Server 0.00008; TOPMed 0.00008; 1000 Genomes Project 30x 0.00047; 1000 Genomes Project 0.00060.
gnomAD v4.1: 101 of 1,614,198 alleles (0.0063%); highest among the groups gnomAD compares: East Asian, 0.0089%; no homozygotes.

Submissions (4):

Labcorp Genetics (formerly Invitae), Labcorp
Classification: Likely benign for Autosomal dominant spastic paraplegia type 9; de Barsy syndrome; Cutis laxa, autosomal dominant 3. Last evaluated: 2025-12-29. Review status: criteria provided, single submitter. Criteria: Invitae Variant Classification Sherloc (09022015). Collection method: clinical testing. Allele origin: germline.

CeGaT Center for Human Genetics Tuebingen
Classification: Likely benign. Last evaluated: 2025-11-01. Review status: criteria provided, single submitter. Criteria: CeGaT Center For Human Genetics Tuebingen Variant Classification Criteria Version 2. Collection method: clinical testing. Allele origin: germline. Affected: yes. Observed: 2 variant alleles.
Comment: ALDH18A1: BP4, BP7

GeneDx
Classification: Likely benign. Last evaluated: 2018-04-02. Review status: criteria provided, single submitter. Criteria: GeneDx Variant Classification (06012015). Collection method: clinical testing. Allele origin: germline. Affected: yes.
Comment: This variant is considered likely benign or benign based on one or more of the following criteria: it is a conservative change, it occurs at a poorly conserved position in the protein, it is predicted to be benign by multiple in silico algorithms, and/or has population frequency not consistent with disease.

PreventionGenetics, part of Exact Sciences
Classification: Likely benign for ALDH18A1-related condition. Last evaluated: 2019-03-20. Review status: no assertion criteria provided. Collection method: clinical testing. Allele origin: germline. Not counted in ClinVar's aggregate classification.
Comment: This variant is classified as likely benign based on ACMG/AMP sequence variant interpretation guidelines (Richards et al. 2015 PMID: 25741868, with internal and published modifications).

NM_002860.4(ALDH18A1):c.2040C>T (p.Asn680=)

Gene: ALDH18A1 (aldehyde dehydrogenase 18 family member A1; minus strand). Cytogenetic location: 10q24.1.
Variant type: single nucleotide variant.
Coding change: c.2040C>T on transcript NM_002860.4 (MANE Select); coding-DNA position 2040, C replaced by T.
Protein change: p.Asn680=; no amino-acid change (asparagine 680 retained).
Molecular consequence: synonymous variant.
Genome position (GRCh38, 1-based): chr10:95,611,326, G>A on the plus strand (C>T on the coding strand, the complement: ALDH18A1 is on the minus strand). VCF-style: chr10-95611326-G-A. GRCh37 (hg19) VCF-style: chr10-97371083-G-A.
Other names: c.2034C>T, p.Asn678= (NM_001017423.2, NM_001323415.2); c.1707C>T, p.Asn569= (NM_001323412.2, NM_001323416.2); c.2040C>T, p.Asn680= (NM_001323413.2, NM_001323414.2); c.1935C>T, p.Asn645= (NM_001323417.2); c.1701C>T, p.Asn567= (NM_001323418.2); c.1404C>T, p.Asn468= (NM_001323419.2).
Identifiers: ClinVar variation 681497 (VCV000681497.47), dbSNP rs145806693, ClinGen allele CA5620165.
Genomic context (GRCh38, chr10:95,611,326, plus strand): 5'-GACGATGACATCCGTGTGGGAGCTGCCATACTTGTGGATGTGGTCAATGGCATCCTGAAC[G>A]TTGTCCACTACTTCAATGCATAATTCCAGGTCCCCATACTCAGTTCGGAGTGACTTCACT-3'
Protein context (NP_002851.2, residues 670-690): DLELCIEVVD[Asn680=]VQDAIDHIHK